The following is an entry in ClinVar:

ClinVar aggregate classification (germline): Conflicting classifications of pathogenicity. Review status: criteria provided, conflicting classifications (1 of 4 stars). 7 submissions from 7 submitters: Uncertain significance (1); Benign (1); Likely benign (5). Last evaluated 2025-12-01.

Conditions:
Cardiovascular phenotype. Identifiers: MedGen CN230736.
Cardiomyopathy (CMYO). Also called: Cardiomyopathies. Identifiers: Orphanet 167848, MedGen C0878544, MONDO:0004994, HP:0001638. Inheritance: Various modes of inheritance.
Hypertrophic cardiomyopathy. Also called: HYPERTROPHIC MYOCARDIOPATHY. Identifiers: Orphanet 217569, MedGen C0007194, MeSH D002312, MONDO:0005045, HP:0001639.

Allele frequency attached by ClinVar (database versions not stated): gnomAD exomes below 0.00001; gnomAD 0.00001.
gnomAD v4.1: 6 of 1,612,222 alleles (0.00037%); highest among the groups gnomAD compares: Admixed American, 0.0017%; no homozygotes.

Submissions (7):

Labcorp Genetics (formerly Invitae), Labcorp
Classification: Likely benign for Hypertrophic cardiomyopathy. Last evaluated: 2025-12-01. Review status: criteria provided, single submitter. Criteria: Invitae Variant Classification Sherloc (09022015). Collection method: clinical testing. Allele origin: germline.

Ambry Genetics
Classification: Likely benign for Cardiovascular phenotype. Last evaluated: 2025-06-01. Review status: criteria provided, single submitter. Criteria: Ambry Variant Classification Scheme 2023. Collection method: clinical testing. Allele origin: germline.

All of Us Research Program, National Institutes of Health
Classification: Likely benign for Cardiomyopathy. Last evaluated: 2023-12-01. Review status: criteria provided, single submitter. Criteria: ACMG Guidelines, 2015. Collection method: clinical testing. Allele origin: germline. Inheritance: Autosomal dominant inheritance. Observed: 3 variant alleles, 3 heterozygotes.
Comment: This study involves interpretation of variants in research participants for the purpose of population health screening. Participant phenotype was not available at the time of variant classification. Additional details can be found in publication PMID: 35346344, PMCID: PMC8962531

Color Diagnostics, LLC DBA Color Health
Classification: Likely benign for Cardiomyopathy. Last evaluated: 2022-11-16. Review status: criteria provided, single submitter. Criteria: ACMG Guidelines, 2015. Collection method: clinical testing. Allele origin: germline.

Blueprint Genetics
Classification: Uncertain significance. Last evaluated: 2019-07-03. Review status: criteria provided, single submitter. Criteria: ACMG Guidelines, 2015. Collection method: clinical testing. Allele origin: germline.

GeneDx
Classification: Benign. Last evaluated: 2017-01-12. Review status: criteria provided, single submitter. Criteria: GeneDx Variant Classification Process June 2021. Collection method: clinical testing. Allele origin: germline. Affected: yes.

Laboratory for Molecular Medicine, Mass General Brigham Personalized Medicine
Classification: Likely benign. Last evaluated: 2014-11-03. Review status: criteria provided, single submitter. Criteria: LMM Criteria. Collection method: clinical testing. Allele origin: germline. Observed: 1 variant allele.
Comment: p.Leu1442Leu in exon 31 of MYH7: This variant is not expected to have clinical s ignificance because it does not alter an amino acid residue and is not located w ithin the splice consensus sequence.

NM_000257.4(MYH7):c.4326G>A (p.Leu1442=)

Genes: MHRT (myosin heavy chain associated RNA transcript; plus strand), MYH7 (myosin heavy chain 7; minus strand). Cytogenetic location: 14q11.2.
Variant type: single nucleotide variant.
Coding change: c.4326G>A on transcript NM_000257.4 (MANE Select); coding-DNA position 4326, G replaced by A.
Protein change: p.Leu1442=; no amino-acid change (leucine 1442 retained).
Molecular consequence: synonymous variant.
Genome position (GRCh38, 1-based): chr14:23,417,530, C>T on the plus strand (G>A on the coding strand, the complement: MYH7 is on the minus strand). VCF-style: chr14-23417530-C-T. GRCh37 (hg19) VCF-style: chr14-23886739-C-T.
Identifiers: ClinVar variation 164288 (VCV000164288.19), dbSNP rs727503243, ClinGen allele CA014816.